The following is an entry in ClinVar:

NM_018398.3(CACNA2D3):c.47C>T (p.Ala16Val)

Gene: CACNA2D3 (calcium voltage-gated channel auxiliary subunit alpha2delta 3; plus strand). Cytogenetic location: 3p21.1.
Variant type: single nucleotide variant.
Coding change: c.47C>T on transcript NM_018398.3 (MANE Select); coding-DNA position 47, C replaced by T.
Protein change: p.Ala16Val; replaces alanine 16 with valine.
Molecular consequence: missense variant.
Genome position (GRCh38, 1-based): chr3:54,122,760, C>T. VCF-style: chr3-54122760-C-T. GRCh37 (hg19) VCF-style: chr3-54156787-C-T.
Other names: short protein forms A16V.
Identifiers: ClinVar variation 3357257 (VCV003357257.1).
Genomic context (GRCh38, chr3:54,122,760, plus strand): 5'-GGAGGGAGCCCAGCATGGCCGGGCCGGGCTCGCCGCGCCGCGCGTCCCGGGGGGCCTCGG[C>T]GCTTCTCGCTGCCGCGCTTCTCTACGCCGCGCTGGGGGACGTGGTGCGCTCGGAGCAGCA-3'
Protein context (NP_060868.2, residues 6-26): SPRRASRGAS[Ala16Val]LLAAALLYAA

ClinVar aggregate classification (germline): Uncertain significance (0 of 4 stars; one submission).

Conditions:
CACNA2D3-related disorder. Also called: CACNA2D3-related condition.

Submission:

PreventionGenetics, part of Exact Sciences
Classification: Uncertain significance for CACNA2D3-related condition. Last evaluated: 2024-03-05. Review status: no assertion criteria provided. Collection method: clinical testing. Allele origin: germline.
Comment: The CACNA2D3 c.47C>T variant is predicted to result in the amino acid substitution p.Ala16Val. To our knowledge, this variant has not been reported in the literature or in a large population database, indicating this variant is rare. At this time, the clinical significance of this variant is uncertain due to the absence of conclusive functional and genetic evidence.